The following is an entry in ClinVar:

NM_004733.4(SLC33A1):c.848_850del (p.Glu283del)

Gene: SLC33A1 (solute carrier family 33 member 1; minus strand). Cytogenetic location: 3q25.31.
Variant type: Deletion.
Coding change: c.848_850del on transcript NM_004733.4 (MANE Select); coding-DNA positions 848 to 850, 3 bases deleted (AAG; older notation c.848_850delAAG).
Protein change: p.Glu283del; deletes glutamic acid 283.
Molecular consequence: inframe deletion. On other transcripts: intron variant (1).
Genome position (GRCh38, 1-based): chr3:155,842,545-155,842,547, CTT deleted on the plus strand (AAG on the coding strand, the reverse complement: SLC33A1 is on the minus strand); deleting any 3 consecutive bases within chr3:155,842,545-155,842,548 gives the same sequence; the c. name uses the placement nearest the transcript's 3' end. VCF-style (leftmost placement, unchanged base first): chr3-155842544-ACTT-A. GRCh37 (hg19) VCF-style: chr3-155560333-ACTT-A.
Other names: c.848_850del, p.Glu283del (NM_001190992.2); c.776-8506_776-8504del (NM_001363883.1); c.848_850del (NM_004733.3); short protein forms E283del.
Identifiers: ClinVar variation 1364344 (VCV001364344.7), dbSNP rs757509671, ClinGen allele CA2677357.
Genomic context (GRCh38, chr3:155,842,544, plus strand): 5'-ATTGCAAAAAGCAGCTTGTAAGTATCTGTGATCCCTTGTGTTTCTTCTTTTACTACTGAT[ACTT>A]CGTTTTCTTTTTTCAGAAGGGCAACCAATGTTGTTGTTATTAAAAATACAGTTCCCCAGA-3'

ClinVar aggregate classification (germline): Uncertain significance. Review status: criteria provided, multiple submitters, no conflicts (2 of 4 stars). 2 submissions from 2 submitters: Uncertain significance (2). Last evaluated 2025-07-18.

Conditions:
Spastic paraplegia. Identifiers: MedGen C0037772, HP:0001258.

Submissions (2):

GeneDx
Classification: Uncertain significance. Last evaluated: 2025-07-18. Review status: criteria provided, single submitter. Criteria: GeneDx Variant Classification Process June 2021. Collection method: clinical testing. Allele origin: germline. Affected: yes.
Comment: In-frame deletion of 1 amino acid in a non-repeat region; In silico analysis supports a deleterious effect on protein structure/function; Has not been previously published as pathogenic or benign to our knowledge

Labcorp Genetics (formerly Invitae), Labcorp
Classification: Uncertain significance for Spastic paraplegia. Last evaluated: 2022-07-05. Review status: criteria provided, single submitter. Criteria: Invitae Variant Classification Sherloc (09022015). Collection method: clinical testing. Allele origin: germline.
Comment: In summary, the available evidence is currently insufficient to determine the role of this variant in disease. Therefore, it has been classified as a Variant of Uncertain Significance. Algorithms developed to predict the effect of sequence changes on RNA splicing suggest that this variant may create or strengthen a splice site. Experimental studies and prediction algorithms are not available or were not evaluated, and the functional significance of this variant is currently unknown. ClinVar contains an entry for this variant (Variation ID: 1364344). This variant has not been reported in the literature in individuals affected with SLC33A1-related conditions. This variant is present in population databases (rs757509671, gnomAD 0.03%). This variant, c.848_850del, results in the deletion of 1 amino acid(s) of the SLC33A1 protein (p.Glu283del), but otherwise preserves the integrity of the reading frame.